The following is an entry in ClinVar:

ClinVar aggregate classification (germline): Uncertain significance (1 of 4 stars; one submission).

Conditions:
Hereditary cancer-predisposing syndrome. Also called: Tumor predisposition; Hereditary neoplastic syndrome; Neoplastic Syndromes, Hereditary; Hereditary Cancer Syndrome. Identifiers: Orphanet 140162, MedGen C0027672, MeSH D009386, MONDO:0015356.

gnomAD v4.1: 2 of 1,613,990 alleles (0.00012%); highest among the groups gnomAD compares: Non-Finnish European, 0.00017%; no homozygotes.

Submission:

Ambry Genetics
Classification: Uncertain significance for Hereditary cancer-predisposing syndrome. Last evaluated: 2025-03-27. Review status: criteria provided, single submitter. Criteria: Ambry Variant Classification Scheme 2023. Collection method: clinical testing. Allele origin: germline.
Comment: The p.D295V variant (also known as c.884A>T), located in coding exon 8 of the FANCC gene, results from an A to T substitution at nucleotide position 884. The aspartic acid at codon 295 is replaced by valine, an amino acid with highly dissimilar properties. This amino acid position is conserved. In addition, this alteration is predicted to be deleterious by in silico analysis. Based on the available evidence, the clinical significance of this variant remains unclear.

NM_000136.3(FANCC):c.884A>T (p.Asp295Val)

Genes: AOPEP (aminopeptidase O (putative); plus strand), FANCC (FA complementation group C; minus strand). Cytogenetic location: 9q22.32.
Variant type: single nucleotide variant.
Coding change: c.884A>T on transcript NM_000136.3 (MANE Select); coding-DNA position 884, A replaced by T.
Protein change: p.Asp295Val; replaces aspartic acid 295 with valine.
Molecular consequence: missense variant.
Genome position (GRCh38, 1-based): chr9:95,126,541, T>A on the plus strand (A>T on the coding strand, the complement: FANCC is on the minus strand). VCF-style: chr9-95126541-T-A. GRCh37 (hg19) VCF-style: chr9-97888823-T-A.
Other names: c.884A>T, p.Asp295Val (NM_001243743.2, NM_001243744.2); short protein forms D295V.
Identifiers: ClinVar variation 4022394 (VCV004022394.1).